The following is an entry in ClinVar:

ClinVar aggregate classification (germline): Pathogenic (1 of 4 stars; one submission).

Conditions:
Hereditary spastic paraplegia 4. Also called: Spastic paraplegia 4, autosomal dominant; Familial spastic paraplegia autosomal dominant 2; Spastic Paraplegia 4. Identifiers: Orphanet 100985, MedGen C1866855, MONDO:0008438, OMIM 182601.

Submission:

Labcorp Genetics (formerly Invitae), Labcorp
Classification: Pathogenic for Hereditary spastic paraplegia 4. Last evaluated: 2025-01-13. Review status: criteria provided, single submitter. Criteria: Invitae Variant Classification Sherloc (09022015). Collection method: clinical testing. Allele origin: germline.
Comment: This sequence change creates a premature translational stop signal (p.Trp148*) in the SPAST gene. It is expected to result in an absent or disrupted protein product. Loss-of-function variants in SPAST are known to be pathogenic (PMID: 20932283). This variant is not present in population databases (gnomAD no frequency). This premature translational stop signal has been observed in individuals with hereditary spastic paraplegia (PMID: 26208798). Invitae Evidence Modeling of clinical and family history, age, sex, and reported ancestry of multiple individuals with this SPAST variant has been performed. This variant is expected to be pathogenic with a positive predictive value of at least 99%. This is a validated machine learning model that incorporates the clinical features of 3,690 individuals referred to our laboratory for SPAST testing. ClinVar contains an entry for this variant (Variation ID: 642650). For these reasons, this variant has been classified as Pathogenic.

Literature cited by the submitters: PubMed 20932283; PubMed 26208798.

NM_014946.4(SPAST):c.443G>A (p.Trp148Ter)

Gene: SPAST (spastin; plus strand). Cytogenetic location: 2p22.3.
Variant type: single nucleotide variant.
Coding change: c.443G>A on transcript NM_014946.4 (MANE Select); coding-DNA position 443, G replaced by A.
Protein change: p.Trp148Ter; replaces tryptophan 148 with a stop codon.
Molecular consequence: nonsense.
Genome position (GRCh38, 1-based): chr2:32,087,519, G>A. VCF-style: chr2-32087519-G-A. GRCh37 (hg19) VCF-style: chr2-32312588-G-A.
Other names: c.440G>A, p.Trp147Ter (NM_001363823.2, NM_001363875.2); c.443G>A, p.Trp148Ter (NM_001377959.1, NM_199436.2); short protein forms W148*, W147*.
Identifiers: ClinVar variation 642650 (VCV000642650.10), dbSNP rs1573068995, ClinGen allele CA346603147.